The following is an entry in ClinVar:

NM_030974.4(SHARPIN):c.50C>T (p.Ser17Phe)

Genes: SHARPIN (SHANK associated RH domain interactor; minus strand), LOC130001367 (ATAC-STARR-seq lymphoblastoid silent region 19657; plus strand). Cytogenetic location: 8q24.3.
Variant type: single nucleotide variant.
Coding change: c.50C>T on transcript NM_030974.4 (MANE Select); coding-DNA position 50, C replaced by T.
Protein change: p.Ser17Phe; replaces serine 17 with phenylalanine.
Molecular consequence: missense variant. On other transcripts: non-coding transcript variant (1).
Genome position (GRCh38, 1-based): chr8:144,103,704, G>A on the plus strand (C>T on the coding strand, the complement: SHARPIN is on the minus strand). VCF-style: chr8-144103704-G-A. GRCh37 (hg19) VCF-style: chr8-145158607-G-A.
Other names: short protein forms S17F.
Identifiers: ClinVar variation 1235716 (VCV001235716.4), dbSNP rs34173062, ClinGen allele CA4934034.

ClinVar aggregate classification (germline): Benign. Review status: criteria provided, multiple submitters, no conflicts (2 of 4 stars). 2 submissions from 2 submitters: Benign (2). Last evaluated 2020-07-15.

Allele frequency attached by ClinVar (database versions not stated): 1000 Genomes Project 0.03155; 1000 Genomes Project 30x 0.03310; TOPMed 0.05661; gnomAD exomes 0.07315 and 0.07420; ExAC 0.07938.
gnomAD v4.1: 107,015 of 1,475,258 alleles (7.3%); highest among the groups gnomAD compares: Middle Eastern, 18%; 4,567 homozygotes.

Submissions (2):

GeneDx
Classification: Benign. Last evaluated: 2020-07-15. Review status: criteria provided, single submitter. Criteria: GeneDx Variant Classification Process June 2021. Collection method: clinical testing. Allele origin: germline. Affected: yes.
Comment: This variant is associated with the following publications: (PMID: 31959851)

Breakthrough Genomics
Classification: Benign. Review status: criteria provided, single submitter. Criteria: ACMG Guidelines, 2015. Collection method: not provided. Allele origin: germline. Inheritance: Unknown mechanism. Affected: yes.